The following is an entry in ClinVar:

ClinVar aggregate classification (germline): Uncertain significance (1 of 4 stars; one submission).

Conditions:
Wilson disease (WND). Also called: Wilson's disease. Identifiers: Orphanet 905, MedGen C0019202, MONDO:0010200, OMIM 277900. Disease mechanism: loss of function.

Submission:

ARUP Laboratories, Molecular Genetics and Genomics, ARUP Laboratories
Classification: Uncertain significance for Wilson disease. Last evaluated: 2025-04-07. Review status: criteria provided, single submitter. Criteria: ARUP Molecular Germline Variant Investigation Process 2024. Collection method: clinical testing. Allele origin: germline.
Comment: The ATP7B c.1632G>T; p.Gln544His variant, to our knowledge, is not reported in the medical literature or gene specific databases. This variant is also absent from the Genome Aggregation Database (v2.1.1), indicating it is not a common polymorphism. Computational analyses are uncertain whether this variant is neutral or deleterious (REVEL: 0.478). Due to limited information, the clinical significance of this variant is uncertain at this time.

NM_000053.4(ATP7B):c.1632G>T (p.Gln544His)

Gene: ATP7B (ATPase copper transporting beta; minus strand). Cytogenetic location: 13q14.3.
Variant type: single nucleotide variant.
Coding change: c.1632G>T on transcript NM_000053.4 (MANE Select); coding-DNA position 1632, G replaced by T.
Protein change: p.Gln544His; replaces glutamine 544 with histidine.
Molecular consequence: missense variant. On other transcripts: intron variant (1).
Genome position (GRCh38, 1-based): chr13:51,968,519, C>A on the plus strand (G>T on the coding strand, the complement: ATP7B is on the minus strand). VCF-style: chr13-51968519-C-A. GRCh37 (hg19) VCF-style: chr13-52542655-C-A.
Other names: c.1632G>T, p.Gln544His (NM_001005918.3, NM_001330578.2, NM_001330579.2 and 26 more transcripts); c.1299G>T, p.Gln433His (NM_001243182.2); c.1599G>T, p.Gln533His (NM_001406514.1, NM_001406524.1); c.1536G>T, p.Gln512His (NM_001406517.1, NM_001406518.1, NM_001406530.1 and 3 more transcripts); c.1285+5416G>T (NM_001406548.1); c.1203G>T, p.Gln401His (NM_001406539.1); short protein forms Q401H, Q433H, Q512H, Q533H, Q544H.
Identifiers: ClinVar variation 4685732 (VCV004685732.1).